The following is an entry in ClinVar:

NM_000070.3(CAPN3):c.49C>T (p.Pro17Ser)

Gene: CAPN3 (calpain 3; plus strand). Cytogenetic location: 15q15.1.
Variant type: single nucleotide variant.
Coding change: c.49C>T on transcript NM_000070.3 (MANE Select); coding-DNA position 49, C replaced by T.
Protein change: p.Pro17Ser; replaces proline 17 with serine.
Molecular consequence: missense variant.
Genome position (GRCh38, 1-based): chr15:42,359,854, C>T. VCF-style: chr15-42359854-C-T. GRCh37 (hg19) VCF-style: chr15-42652052-C-T.
Other names: c.49C>T, p.Pro17Ser (NM_024344.2, NM_173087.2); short protein forms P17S.
Identifiers: ClinVar variation 2576665 (VCV002576665.2), dbSNP rs2548224530, ClinGen allele CA391994043.

ClinVar aggregate classification (germline): Uncertain significance (1 of 4 stars; one submission).

Submission:

GeneDx
Classification: Uncertain significance. Last evaluated: 2024-09-13. Review status: criteria provided, single submitter. Criteria: GeneDx Variant Classification Process June 2021. Collection method: clinical testing. Allele origin: germline.
Comment: Not observed at significant frequency in large population cohorts (gnomAD); In silico analysis indicates that this missense variant does not alter protein structure/function; Has not been previously published as pathogenic or benign to our knowledge